The following is an entry in ClinVar:

ClinVar aggregate classification (germline): Uncertain significance. Review status: criteria provided, multiple submitters, no conflicts (2 of 4 stars). 2 submissions from 2 submitters: Uncertain significance (2). Last evaluated 2025-04-10.

Submissions (2):

Ambry Genetics
Classification: Uncertain significance. Last evaluated: 2025-04-10. Review status: criteria provided, single submitter. Criteria: Ambry Variant Classification Scheme 2023. Collection method: clinical testing. Allele origin: germline.

Labcorp Genetics (formerly Invitae), Labcorp
Classification: Uncertain significance. Last evaluated: 2021-12-24. Review status: criteria provided, single submitter. Criteria: Invitae Variant Classification Sherloc (09022015). Collection method: clinical testing. Allele origin: germline.
Comment: This sequence change replaces glutamic acid, which is acidic and polar, with alanine, which is neutral and non-polar, at codon 9 of the CTF1 protein (p.Glu9Ala). This variant is not present in population databases (gnomAD no frequency). This variant has not been reported in the literature in individuals affected with CTF1-related conditions. Algorithms developed to predict the effect of missense changes on protein structure and function are either unavailable or do not agree on the potential impact of this missense change (SIFT: "Tolerated"; PolyPhen-2: "Possibly Damaging"; Align-GVGD: "Class C0"). Algorithms developed to predict the effect of sequence changes on RNA splicing suggest that this variant may create or strengthen a splice site. In summary, the available evidence is currently insufficient to determine the role of this variant in disease. Therefore, it has been classified as a Variant of Uncertain Significance.

NM_001330.5(CTF1):c.26A>C (p.Glu9Ala)

Gene: CTF1 (cardiotrophin 1; plus strand). Cytogenetic location: 16p11.2.
Variant type: single nucleotide variant.
Coding change: c.26A>C on transcript NM_001330.5 (MANE Select); coding-DNA position 26, A replaced by C.
Protein change: p.Glu9Ala; replaces glutamic acid 9 with alanine.
Molecular consequence: missense variant. On other transcripts: non-coding transcript variant (1), intron variant (1).
Genome position (GRCh38, 1-based): chr16:30,899,415, A>C. VCF-style: chr16-30899415-A-C. GRCh37 (hg19) VCF-style: chr16-30910736-A-C.
Other names: c.26-3A>C (NM_001142544.3); short protein forms E9A.
Identifiers: ClinVar variation 2420256 (VCV002420256.7), dbSNP rs2055382034, ClinGen allele CA395633004.